The following is an entry in ClinVar:

ClinVar aggregate classification (germline): Uncertain significance (1 of 4 stars; one submission).

Conditions:
Familial thoracic aortic aneurysm and aortic dissection (TAAD). Also called: Thoracic aortic aneurysms and dissections. Identifiers: Orphanet 91387, MedGen C4707243, MONDO:0019625.

Allele frequency attached by ClinVar (database versions not stated): TOPMed below 0.00001; gnomAD 0.00001; ExAC 0.00005.
gnomAD v4.1: 21 of 1,601,168 alleles (0.0013%); highest among the groups gnomAD compares: East Asian, 0.014%; no homozygotes.

Submission:

Ambry Genetics
Classification: Uncertain significance for Familial thoracic aortic aneurysm and aortic dissection. Last evaluated: 2021-07-22. Review status: criteria provided, single submitter. Criteria: Ambry Variant Classification Scheme 2023. Collection method: clinical testing. Allele origin: germline.
Comment: The p.A1562V variant (also known as c.4685C>T), located in coding exon 26 of the NOTCH1 gene, results from a C to T substitution at nucleotide position 4685. The alanine at codon 1562 is replaced by valine, an amino acid with similar properties. This amino acid position is conserved. In addition, the in silico prediction for this alteration is inconclusive. Since supporting evidence is limited at this time, the clinical significance of this alteration remains unclear.

NM_017617.5(NOTCH1):c.4685C>T (p.Ala1562Val)

Gene: NOTCH1 (notch receptor 1; minus strand). Cytogenetic location: 9q34.3.
Variant type: single nucleotide variant.
Coding change: c.4685C>T on transcript NM_017617.5 (MANE Select); coding-DNA position 4685, C replaced by T.
Protein change: p.Ala1562Val; replaces alanine 1562 with valine.
Molecular consequence: missense variant.
Genome position (GRCh38, 1-based): chr9:136,505,006, G>A on the plus strand (C>T on the coding strand, the complement: NOTCH1 is on the minus strand). VCF-style: chr9-136505006-G-A. GRCh37 (hg19) VCF-style: chr9-139399458-G-A.
Other names: short protein forms A1562V.
Identifiers: ClinVar variation 1742410 (VCV001742410.2), dbSNP rs752839680, ClinGen allele CA5340536.